The following is an entry in ClinVar:

ClinVar aggregate classification (germline): Uncertain significance. Review status: criteria provided, multiple submitters, no conflicts (2 of 4 stars). 3 submissions from 3 submitters: Uncertain significance (3). Last evaluated 2026-01-20.

Conditions:
Global developmental delay - lung cysts - overgrowth - Wilms tumor syndrome. Also called: GLOBAL DEVELOPMENTAL DELAY, LUNG CYSTS, OVERGROWTH, AND WILMS TUMOR; GLOW Syndrome. Identifiers: Orphanet 404476, MedGen C4748924, MONDO:0018445, OMIM 618272.
DICER1-related tumor predisposition. Also called: DICER1-related pleuropulmonary blastoma cancer predisposition syndrome; DICER1 syndrome. Identifiers: Orphanet 284343, MedGen C3839822, MONDO:0100216.
Hereditary cancer-predisposing syndrome. Also called: Hereditary neoplastic syndrome; Neoplastic Syndromes, Hereditary; Tumor predisposition; Hereditary Cancer Syndrome. Identifiers: Orphanet 140162, MedGen C0027672, MeSH D009386, MONDO:0015356.

Allele frequency attached by ClinVar (database versions not stated): gnomAD exomes 0.00001; TOPMed 0.00001.
gnomAD v4.1: 6 of 1,614,124 alleles (0.00037%); highest among the groups gnomAD compares: African/African-American, 0.0013%; no homozygotes.

Submissions (3):

Labcorp Genetics (formerly Invitae), Labcorp
Classification: Uncertain significance for DICER1-related tumor predisposition. Last evaluated: 2026-01-20. Review status: criteria provided, single submitter. Criteria: Invitae Variant Classification Sherloc (09022015). Collection method: clinical testing. Allele origin: germline.
Comment: This sequence change replaces histidine, which is basic and polar, with arginine, which is basic and polar, at codon 356 of the DICER1 protein (p.His356Arg). This variant is not present in population databases (gnomAD no frequency). This variant has not been reported in the literature in individuals affected with DICER1-related conditions. ClinVar contains an entry for this variant (Variation ID: 485525). Invitae Evidence Modeling of protein sequence and biophysical properties (such as structural, functional, and spatial information, amino acid conservation, physicochemical variation, residue mobility, and thermodynamic stability) indicates that this missense variant is not expected to disrupt DICER1 protein function with a negative predictive value of 95%. In summary, the available evidence is currently insufficient to determine the role of this variant in disease. Therefore, it has been classified as a Variant of Uncertain Significance.

Ambry Genetics
Classification: Uncertain significance for Hereditary cancer-predisposing syndrome. Last evaluated: 2025-04-19. Review status: criteria provided, single submitter. Criteria: Ambry Variant Classification Scheme 2023. Collection method: clinical testing. Allele origin: germline.
Comment: The p.H356R variant (also known as c.1067A>G), located in coding exon 7 of the DICER1 gene, results from an A to G substitution at nucleotide position 1067. The histidine at codon 356 is replaced by arginine, an amino acid with highly similar properties. This amino acid position is highly conserved in available vertebrate species. In addition, the in silico prediction for this alteration is inconclusive. Since supporting evidence is limited at this time, the clinical significance of this alteration remains unclear.

Baylor Genetics
Classification: Uncertain significance for Global developmental delay - lung cysts - overgrowth - Wilms tumor syndrome. Last evaluated: 2023-05-12. Review status: criteria provided, single submitter. Criteria: ACMG Guidelines, 2015. Collection method: clinical testing. Allele origin: unknown.

NM_177438.3(DICER1):c.1067A>G (p.His356Arg)

Gene: DICER1 (dicer 1, ribonuclease III; minus strand). Cytogenetic location: 14q32.13.
Variant type: single nucleotide variant.
Coding change: c.1067A>G on transcript NM_177438.3 (MANE Select); coding-DNA position 1067, A replaced by G.
Protein change: p.His356Arg; replaces histidine 356 with arginine.
Molecular consequence: missense variant.
Genome position (GRCh38, 1-based): chr14:95,124,505, T>C on the plus strand (A>G on the coding strand, the complement: DICER1 is on the minus strand). VCF-style: chr14-95124505-T-C. GRCh37 (hg19) VCF-style: chr14-95590842-T-C.
Other names: c.1067A>G, p.His356Arg (NM_001195573.1, NM_001271282.3, NM_001291628.2 and 1 more transcripts); short protein forms H356R.
Identifiers: ClinVar variation 485525 (VCV000485525.15), dbSNP rs1212942890, ClinGen allele CA390887031.